The following is an entry in ClinVar:

ClinVar aggregate classification (germline): Uncertain significance. Review status: criteria provided, multiple submitters, no conflicts (2 of 4 stars). 2 submissions from 2 submitters: Uncertain significance (2). Last evaluated 2021-12-23.

Conditions:
Hereditary nonpolyposis colorectal neoplasms. Identifiers: MedGen C0009405, MeSH D003123.
Hereditary cancer-predisposing syndrome. Also called: Tumor predisposition; Hereditary Cancer Syndrome; Hereditary neoplastic syndrome; Neoplastic Syndromes, Hereditary. Identifiers: Orphanet 140162, MedGen C0027672, MeSH D009386, MONDO:0015356.

Submissions (2):

Labcorp Genetics (formerly Invitae), Labcorp
Classification: Uncertain significance for Hereditary nonpolyposis colorectal neoplasms. Last evaluated: 2021-12-23. Review status: criteria provided, single submitter. Criteria: Invitae Variant Classification Sherloc (09022015). Collection method: clinical testing. Allele origin: germline.
Comment: ClinVar contains an entry for this variant (Variation ID: 410390). This sequence change falls in intron 9 of the MSH6 gene. It does not directly change the encoded amino acid sequence of the MSH6 protein. This variant is not present in population databases (gnomAD no frequency). This variant has not been reported in the literature in individuals affected with MSH6-related conditions. Algorithms developed to predict the effect of sequence changes on RNA splicing suggest that this variant may create or strengthen a splice site. In summary, the available evidence is currently insufficient to determine the role of this variant in disease. Therefore, it has been classified as a Variant of Uncertain Significance.

Color Diagnostics, LLC DBA Color Health
Classification: Uncertain significance for Hereditary cancer-predisposing syndrome. Last evaluated: 2021-02-01. Review status: criteria provided, single submitter. Criteria: ACMG Guidelines, 2015. Collection method: clinical testing. Allele origin: germline.
Comment: This variant causes a T to G nucleotide substitution at the -5 position of intron 9 of the MSH6 gene. To our knowledge, functional studies have not been reported for this variant. This variant has not been reported in individuals affected with hereditary cancer in the literature. This variant has not been identified in the general population by the Genome Aggregation Database (gnomAD). The available evidence is insufficient to determine the role of this variant in disease conclusively. Therefore, this variant is classified as a Variant of Uncertain Significance.

NM_000179.3(MSH6):c.4002-5T>G

Gene: MSH6 (mutS homolog 6; plus strand). Cytogenetic location: 2p16.3.
Variant type: single nucleotide variant.
Coding change: c.4002-5T>G on transcript NM_000179.3 (MANE Select); 5 bases into the intron before coding-DNA position 4002, T replaced by G.
Molecular consequence: intron variant.
Genome position (GRCh38, 1-based): chr2:47,806,774, T>G. VCF-style: chr2-47806774-T-G. GRCh37 (hg19) VCF-style: chr2-48033913-T-G.
Other names: c.3096-5T>G (NM_001281493.2, NM_001281494.2); c.3612-5T>G (NM_001281492.2).
Identifiers: ClinVar variation 410390 (VCV000410390.11), dbSNP rs1060502872, ClinGen allele CA16611188.